The following is an entry in ClinVar:

NM_001365536.1(SCN9A):c.1314+5T>C

Genes: SCN1A-AS1 (SCN1A and SCN9A antisense RNA 1; plus strand), SCN9A (sodium voltage-gated channel alpha subunit 9; minus strand). Cytogenetic location: 2q24.3.
Variant type: single nucleotide variant.
Coding change: c.1314+5T>C on transcript NM_001365536.1 (MANE Select); 5 bases into the intron after coding-DNA position 1314, T replaced by C.
Molecular consequence: intron variant.
Genome position (GRCh38, 1-based): chr2:166,288,432, A>G on the plus strand (T>C on the coding strand, the complement: SCN9A is on the minus strand). VCF-style: chr2-166288432-A-G. GRCh37 (hg19) VCF-style: chr2-167144942-A-G.
Other names: c.1314+5T>C (NM_002977.4).
Identifiers: ClinVar variation 960946 (VCV000960946.13), dbSNP rs770452089, ClinGen allele CA1944548.

ClinVar aggregate classification (germline): Conflicting classifications of pathogenicity. Review status: criteria provided, conflicting classifications (1 of 4 stars). 3 submissions from 3 submitters: Uncertain significance (1); Likely benign (1). 1 of the submissions does not count toward it. Last evaluated 2024-11-18.

Conditions:
SCN9A-related disorder. Also called: SCN9A-related disorders; SCN9A-related condition.
Neuropathy, hereditary sensory and autonomic, type 2A (HSAN2A). Also called: MORVAN DISEASE; NEUROPATHY, CONGENITAL SENSORY; NEUROPATHY, HEREDITARY SENSORY RADICULAR, AUTOSOMAL RECESSIVE; NEUROPATHY, HEREDITARY SENSORY, TYPE IIA; NEUROPATHY, PROGRESSIVE SENSORY, OF CHILDREN; ACROOSTEOLYSIS, GIACCAI TYPE. Identifiers: Orphanet 970, MedGen C2752089, MONDO:0024309, OMIM 201300.
Generalized epilepsy with febrile seizures plus, type 7 (GEFSP7). Also called: GEFS+, TYPE 7. Identifiers: Orphanet 36387, MedGen C2751778, MONDO:0013470, OMIM 613863.

Allele frequency attached by ClinVar (database versions not stated): gnomAD exomes below 0.00001; ExAC 0.00001.
gnomAD v4.1: 6 of 1,601,964 alleles (0.00037%); highest among the groups gnomAD compares: Non-Finnish European, 0.00051%; no homozygotes.

Submissions (3):

Labcorp Genetics (formerly Invitae), Labcorp
Classification: Uncertain significance for Neuropathy, hereditary sensory and autonomic, type 2A; Generalized epilepsy with febrile seizures plus, type 7. Last evaluated: 2024-11-18. Review status: criteria provided, single submitter. Criteria: Invitae Variant Classification Sherloc (09022015). Collection method: clinical testing. Allele origin: germline.
Comment: This sequence change falls in intron 10 of the SCN9A gene. It does not directly change the encoded amino acid sequence of the SCN9A protein. It affects a nucleotide within the consensus splice site. This variant is present in population databases (rs770452089, gnomAD 0.0009%). This variant has not been reported in the literature in individuals affected with SCN9A-related conditions. ClinVar contains an entry for this variant (Variation ID: 960946). Variants that disrupt the consensus splice site are a relatively common cause of aberrant splicing (PMID: 17576681, 9536098). Algorithms developed to predict the effect of sequence changes on RNA splicing suggest that this variant is not likely to affect RNA splicing. In summary, the available evidence is currently insufficient to determine the role of this variant in disease. Therefore, it has been classified as a Variant of Uncertain Significance.

Blueprint Genetics
Classification: Likely benign. Last evaluated: 2022-12-19. Review status: criteria provided, single submitter. Criteria: ACMG Guidelines, 2015. Collection method: clinical testing. Allele origin: germline.

PreventionGenetics, part of Exact Sciences
Classification: Likely benign for SCN9A-related condition. Last evaluated: 2021-02-16. Review status: no assertion criteria provided. Collection method: clinical testing. Allele origin: germline. Not counted in ClinVar's aggregate classification.
Comment: This variant is classified as likely benign based on ACMG/AMP sequence variant interpretation guidelines (Richards et al. 2015 PMID: 25741868, with internal and published modifications).

Literature cited by the submitters: PubMed 17576681 (cited by Labcorp Genetics (formerly Invitae), Labcorp); PubMed 9536098 (cited by Labcorp Genetics (formerly Invitae), Labcorp).